The following is an entry in ClinVar:

NM_001385.3(DPYS):c.209T>C (p.Met70Thr)

Gene: DPYS (dihydropyrimidinase; minus strand). Cytogenetic location: 8q22.3.
Variant type: single nucleotide variant.
Coding change: c.209T>C on transcript NM_001385.3 (MANE Select); coding-DNA position 209, T replaced by C.
Protein change: p.Met70Thr; replaces methionine 70 with threonine.
Molecular consequence: missense variant.
Genome position (GRCh38, 1-based): chr8:104,466,712, A>G on the plus strand (T>C on the coding strand, the complement: DPYS is on the minus strand). VCF-style: chr8-104466712-A-G. GRCh37 (hg19) VCF-style: chr8-105478940-A-G.
Other names: c.209T>C (NM_001385.2); short protein forms M70T.
Identifiers: ClinVar variation 2055236 (VCV002055236.6), dbSNP rs370718225, ClinGen allele CA4838621.

ClinVar aggregate classification (germline): Conflicting classifications of pathogenicity. Review status: criteria provided, conflicting classifications (1 of 4 stars). 4 submissions from 4 submitters: Likely pathogenic (1); Uncertain significance (3). Last evaluated 2025-01-29.

Conditions:
Dihydropyrimidinase deficiency (DPYSD). Also called: DPH DEFICIENCY; DPYS DEFICIENCY; dihydropyrimidinuria. Identifiers: Orphanet 38874, MedGen C0342803, MONDO:0009111, OMIM 222748.
Inborn genetic diseases. Identifiers: MedGen C0950123, MeSH D030342.

Allele frequency attached by ClinVar (database versions not stated): ESP Exome Variant Server 0.00009; TOPMed 0.00020.

Submissions (4):

Dasa
Classification: Uncertain significance. Last evaluated: 2025-01-29. Review status: criteria provided, single submitter. Criteria: DASA Assertion Criteria. Collection method: clinical testing. Allele origin: germline.
Comment: NM_001385.3(DPYS):c.209T>C (p.Met70Thr) is a missense variant that results in the substitution of methionine with threonine. This variant has been observed in affected individuals with DPYS-related disorders. Functional evidence supports an impact on the gene or gene product. Also, this variant is rare in population databases. Computational prediction algorithms are consistent with a deleterious effect. The currently available literature and clinical evidence are not sufficient to establish a definitive association between this variant and the reported condition. Therefore, this variant is classified as a variant of uncertain significance.

Women's Health and Genetics/Laboratory Corporation of America, LabCorp
Classification: Likely pathogenic for Dihydropyrimidinase deficiency. Last evaluated: 2024-07-31. Review status: criteria provided, single submitter. Criteria: LabCorp Variant Classification Summary - May 2015. Collection method: clinical testing. Allele origin: germline.
Comment: Variant summary: DPYS c.209T>C (p.Met70Thr) results in a non-conservative amino acid change located in the Amidohydrolase-related domain (IPR006680) of the encoded protein sequence. Four of five in-silico tools predict a damaging effect of the variant on protein function. The variant allele was found at a frequency of 6.8e-05 in 131622 control chromosomes. c.209T>C has been reported in the literature in the presumed compound heterozygous state in at least 1 individual affected with clinical and biochemical features of Dihydropyrimidinase Deficiency (example, vanKuilenburg_2010), however the other variant present was considered to be Likely Benign. These report(s) do not provide unequivocal conclusions about association of the variant with Dihydropyrimidinase Deficiency. At least one publication reports experimental evidence evaluating an impact on protein function. The most pronounced variant effect results in <10% of normal activity (example, Hishinuma_2017, vanKuilenburg_2010). The following publications have been ascertained in the context of this evaluation (PMID: 38199782, 28642038, 20362666). ClinVar contains an entry for this variant (Variation ID: 2055236). Based on the evidence outlined above, the variant was classified as likely pathogenic.

Ambry Genetics
Classification: Uncertain significance for Inborn genetic diseases. Last evaluated: 2023-03-06. Review status: criteria provided, single submitter. Criteria: Ambry Variant Classification Scheme 2023. Collection method: clinical testing. Allele origin: germline.

Labcorp Genetics (formerly Invitae), Labcorp
Classification: Uncertain significance. Last evaluated: 2022-08-22. Review status: criteria provided, single submitter. Criteria: Invitae Variant Classification Sherloc (09022015). Collection method: clinical testing. Allele origin: germline.
Comment: This sequence change replaces methionine, which is neutral and non-polar, with threonine, which is neutral and polar, at codon 70 of the DPYS protein (p.Met70Thr). This variant is present in population databases (rs370718225, gnomAD 0.09%). This missense change has been observed in individual(s) with dihydropyrimidinase deficiency (PMID: 20362666). Algorithms developed to predict the effect of missense changes on protein structure and function are either unavailable or do not agree on the potential impact of this missense change (SIFT: "Deleterious"; PolyPhen-2: "Benign"; Align-GVGD: "Class C45"). Experimental studies have shown that this missense change affects DPYS function (PMID: 20362666, 28642038). In summary, the available evidence is currently insufficient to determine the role of this variant in disease. Therefore, it has been classified as a Variant of Uncertain Significance.

Literature cited by the submitters: PubMed 20362666 (cited by 3 submitters); PubMed 38199782 (cited by Women's Health and Genetics/Laboratory Corporation of America, LabCorp); PubMed 28642038 (cited by Women's Health and Genetics/Laboratory Corporation of America, LabCorp and Labcorp Genetics (formerly Invitae), Labcorp).